The following is an entry in ClinVar:

ClinVar aggregate classification (germline): Likely pathogenic (1 of 4 stars; one submission).

Conditions:
Tolchin-Le Caignec syndrome. Also called: INTELLECTUAL DEVELOPMENTAL DISORDER WITH BEHAVIORAL ABNORMALITIES AND VARIABLE BONE DEFECTS. Identifiers: MedGen C5436509, MONDO:0033544, OMIM 618971.

Submission:

CGC Genetics, Unilabs
Classification: Likely pathogenic for Tolchin-Le Caignec syndrome. Last evaluated: 2025-08-08. Review status: criteria provided, single submitter. Criteria: ACMG Guidelines, 2015. Collection method: clinical testing. Allele origin: germline. Inheritance: Autosomal dominant inheritance. Affected: yes. Observed: 1 variant allele.
Comment: The NM_033326.3:c.1435+1del p.? variant, detected in heterozygosity in intron 11 (of 16 exons) of the SOX6 gene (chr.11), is not described in the literature or in the gnomAD population database. This variant is located at a canonical splicing donor site in intron 11 and is therefore expected to affect the correct splicing of exon 11. Based on the currently available information, it should be classified as a likely pathogenic variant.

NM_001367873.1(SOX6):c.1435+1del

Gene: SOX6 (SRY-box transcription factor 6; minus strand). Cytogenetic location: 11p15.2.
Variant type: Deletion.
Coding change: c.1435+1del on transcript NM_001367873.1 (MANE Select); the canonical splice donor site of the intron after coding-DNA position 1435, one base deleted (G; older notation c.1435+1delG).
Molecular consequence: splice donor variant. On other transcripts: frameshift variant (2).
Genome position (GRCh38, 1-based): chr11:16,049,754, C deleted on the plus strand (G on the coding strand, the reverse complement: SOX6 is on the minus strand); the first of 2 consecutive C bases (chr11:16,049,754-16,049,755); deleting either gives the same sequence. VCF-style (leftmost placement, unchanged base first): chr11-16049753-AC-A. GRCh37 (hg19) VCF-style: chr11-16071299-AC-A.
Other names: c.1313del, p.Gly438fs (NM_001145811.2, NM_017508.3); c.1312+1del (NM_001367872.1); c.1435+1del (NM_033326.3, NM_001145819.2); short protein forms G438fs.
Identifiers: ClinVar variation 4851573 (VCV004851573.1).